The following is an entry in ClinVar:

NM_012388.4(BLOC1S6):c.79C>T (p.Pro27Ser)

Gene: BLOC1S6 (biogenesis of lysosomal organelles complex 1 subunit 6; plus strand). Cytogenetic location: 15q21.1.
Variant type: single nucleotide variant.
Coding change: c.79C>T on transcript NM_012388.4 (MANE Select); coding-DNA position 79, C replaced by T.
Protein change: p.Pro27Ser; replaces proline 27 with serine.
Molecular consequence: missense variant. On other transcripts: non-coding transcript variant (5).
Genome position (GRCh38, 1-based): chr15:45,587,522, C>T. VCF-style: chr15-45587522-C-T. GRCh37 (hg19) VCF-style: chr15-45879720-C-T.
Other names: c.79C>T (NM_012388.2); short protein forms P27S.
Identifiers: ClinVar variation 565888 (VCV000565888.8), dbSNP rs138284359, ClinGen allele CA7544228.
Genomic context (GRCh38, chr15:45,587,522, plus strand): 5'-TCGTCTCCGGACGGGGCCCTGACACGGCCACCCTACTGCCTGGAGGCCGGGGAGCCGACG[C>T]CTGGTACGTACTATCGGGTGGGAAGCGCGGCCCGGGCTGGGTGTGAGGGGCGGGGACCTG-3'
Protein context (NP_036520.1, residues 17-37): PYCLEAGEPT[Pro27Ser]GLSDTSPDEG

ClinVar aggregate classification (germline): Uncertain significance. Review status: criteria provided, multiple submitters, no conflicts (2 of 4 stars). 2 submissions from 2 submitters: Uncertain significance (2). Last evaluated 2024-12-09.

Conditions:
Hermansky-Pudlak syndrome 9 (HPS9). Identifiers: Orphanet 280663, Orphanet 79430, MedGen C3280026, MONDO:0013606, OMIM 614171.
Inborn genetic diseases. Identifiers: MedGen C0950123, MeSH D030342.

Allele frequency attached by ClinVar (database versions not stated): gnomAD exomes 0.00003; ExAC 0.00004; 1000 Genomes Project 30x 0.00016; TOPMed 0.00026; gnomAD 0.00028 and 0.00031; ESP Exome Variant Server 0.00039.

Submissions (2):

Labcorp Genetics (formerly Invitae), Labcorp
Classification: Uncertain significance for Hermansky-Pudlak syndrome 9. Last evaluated: 2024-12-09. Review status: criteria provided, single submitter. Criteria: Invitae Variant Classification Sherloc (09022015). Collection method: clinical testing. Allele origin: germline.
Comment: This sequence change replaces proline, which is neutral and non-polar, with serine, which is neutral and polar, at codon 27 of the BLOC1S6 protein (p.Pro27Ser). This variant is present in population databases (rs138284359, gnomAD 0.07%). This variant has not been reported in the literature in individuals affected with BLOC1S6-related conditions. ClinVar contains an entry for this variant (Variation ID: 565888). An algorithm developed to predict the effect of missense changes on protein structure and function (PolyPhen-2) suggests that this variant¬†is likely to be tolerated. In summary, the available evidence is currently insufficient to determine the role of this variant in disease. Therefore, it has been classified as a Variant of Uncertain Significance.

Ambry Genetics
Classification: Uncertain significance for Inborn genetic diseases. Last evaluated: 2023-12-18. Review status: criteria provided, single submitter. Criteria: Ambry Variant Classification Scheme 2023. Collection method: clinical testing. Allele origin: germline.